The following is an entry in ClinVar:

ClinVar aggregate classification (germline): Uncertain significance. Review status: criteria provided, multiple submitters, no conflicts (2 of 4 stars). 2 submissions from 2 submitters: Uncertain significance (2). Last evaluated 2025-05-05.

Conditions:
Inborn genetic diseases. Identifiers: MedGen C0950123, MeSH D030342.

Allele frequency attached by ClinVar (database versions not stated): gnomAD exomes below 0.00001; gnomAD 0.00001.
gnomAD v4.1: 5 of 1,613,808 alleles (0.00031%); highest among the groups gnomAD compares: African/African-American, 0.0013%; no homozygotes.

Submissions (2):

Ambry Genetics
Classification: Uncertain significance for Inborn genetic diseases. Last evaluated: 2025-05-05. Review status: criteria provided, single submitter. Criteria: Ambry Variant Classification Scheme 2023. Collection method: clinical testing. Allele origin: germline.

Centre of Medical Genetics, University Hospital Muenster
Classification: Uncertain significance. Last evaluated: 2023-04-18. Review status: criteria provided, single submitter. Criteria: ACMG Guidelines, 2015. Collection method: clinical testing. Allele origin: unknown. Affected: yes. Observed: 1 variant allele, 1 heterozygote.
Comment: ACMG categories: PM2,BP1

NM_001394998.1(TANC2):c.1687C>T (p.Arg563Trp)

Gene: TANC2 (tetratricopeptide repeat, ankyrin repeat and coiled-coil containing 2; plus strand). Cytogenetic location: 17q23.3.
Variant type: single nucleotide variant.
Coding change: c.1687C>T on transcript NM_001394998.1 (MANE Select); coding-DNA position 1687, C replaced by T.
Protein change: p.Arg563Trp; replaces arginine 563 with tryptophan.
Molecular consequence: missense variant.
Genome position (GRCh38, 1-based): chr17:63,340,212, C>T. VCF-style: chr17-63340212-C-T. GRCh37 (hg19) VCF-style: chr17-61417573-C-T.
Other names: c.1465C>T, p.Arg489Trp (NM_001411076.1, NM_025185.4); c.1465C>T (NM_025185.3); short protein forms R489W, R563W.
Identifiers: ClinVar variation 2504137 (VCV002504137.3), dbSNP rs2046181285, ClinGen allele CA400519714.